The following is an entry in ClinVar:

NM_002769.5(PRSS1):c.54del (p.Phe18fs)

Genes: PRSS1 (serine protease 1; plus strand), TRB (T cell receptor beta locus; plus strand). Cytogenetic location: 7q34.
Variant type: Deletion.
Coding change: c.54del on transcript NM_002769.5 (MANE Select); coding-DNA position 54, one base deleted (T; older notation c.54delT).
Protein change: p.Phe18fs; shifts the reading frame from phenylalanine 18.
Molecular consequence: frameshift variant.
Genome position (GRCh38, 1-based): chr7:142,750,568, T deleted; the last of 3 consecutive T bases (chr7:142,750,566-142,750,568); deleting any one gives the same sequence. VCF-style (leftmost placement, unchanged base first): chr7-142750565-CT-C. GRCh37 (hg19) VCF-style: chr7-142458416-CT-C.
Other names: short protein forms F18fs.
Identifiers: ClinVar variation 1374275 (VCV001374275.9), dbSNP rs779352917, ClinGen allele CA4529658.

ClinVar aggregate classification (germline): Uncertain significance. Review status: criteria provided, multiple submitters, no conflicts (2 of 4 stars). 2 submissions from 2 submitters: Uncertain significance (2). Last evaluated 2025-09-03.

Conditions:
Hereditary pancreatitis (PCTT). Also called: PRSS1-Related Hereditary Pancreatitis; Hereditary chronic pancreatitis. Identifiers: Orphanet 676, MedGen C0238339, MONDO:0008185, OMIM 167800.

Submissions (2):

Ambry Genetics
Classification: Uncertain significance for Hereditary pancreatitis. Last evaluated: 2025-09-03. Review status: criteria provided, single submitter. Criteria: Ambry Variant Classification Scheme 2023. Collection method: clinical testing. Allele origin: germline.
Comment: The c.54delT variant, located in coding exon 2 of the PRSS1 gene, results from a deletion of one nucleotide at nucleotide position 54, causing a translational frameshift with a predicted alternate stop codon (p.F18Lfs*24). This alteration is expected to result in premature protein truncation or nonsense-mediated mRNA decay. However, loss of function of PRSS1 has not been clearly established as a mechanism of disease. Based on the available evidence, the clinical significance of this alteration remains unclear.

Labcorp Genetics (formerly Invitae), Labcorp
Classification: Uncertain significance for Hereditary pancreatitis. Last evaluated: 2021-09-29. Review status: criteria provided, single submitter. Criteria: Invitae Variant Classification Sherloc (09022015). Collection method: clinical testing. Allele origin: germline.
Comment: The frequency data for this variant in the population databases is considered unreliable, as metrics indicate poor data quality at this position in the ExAC database. In summary, the available evidence is currently insufficient to determine the role of this variant in disease. Therefore, it has been classified as a Variant of Uncertain Significance. This variant has not been reported in the literature in individuals with PRSS1-related conditions. This sequence change creates a premature translational stop signal (p.Phe18Leufs*24) in the PRSS1 gene. It is expected to result in an absent or disrupted protein product. However, the current clinical and genetic evidence is not sufficient to establish whether loss-of-function variants in PRSS1 cause disease.